The following is an entry in ClinVar:

NM_000059.4(BRCA2):c.833del (p.Ser278fs)

Gene: BRCA2 (BRCA2 DNA repair associated; plus strand). Cytogenetic location: 13q13.1.
Variant type: Deletion.
Coding change: c.833del on transcript NM_000059.4 (MANE Select); coding-DNA position 833, one base deleted (G; older notation c.833delG).
Protein change: p.Ser278fs; shifts the reading frame from serine 278.
Molecular consequence: frameshift variant.
Genome position (GRCh38, 1-based): chr13:32,332,311, G deleted. VCF-style (leftmost placement, unchanged base first): chr13-32332310-AG-A. GRCh37 (hg19) VCF-style: chr13-32906447-AG-A.
Other names: c.833delG (NM_000059.3); short protein forms S278fs.
Identifiers: ClinVar variation 254483 (VCV000254483.2), dbSNP rs886038057, ClinGen allele CA10586486.

ClinVar aggregate classification (germline): Pathogenic (3 of 4 stars; one submission).

Conditions:
Breast-ovarian cancer, familial, susceptibility to, 2 (BROVCA2). Also called: BRCA2 Hereditary Breast and Ovarian Cancer. Identifiers: Orphanet 145, MedGen C2675520, MONDO:0012933, OMIM 612555. Disease mechanism: loss of function.

Submission:

Evidence-based Network for the Interpretation of Germline Mutant Alleles (ENIGMA)
Classification: Pathogenic for Breast-ovarian cancer, familial, susceptibility to, 2. Last evaluated: 2016-09-08. Review status: reviewed by expert panel. Criteria: ENIGMA BRCA1/2 Classification Criteria (2015). Collection method: curation. Allele origin: germline.
Comment: Variant allele predicted to encode a truncated non-functional protein.